The following is an entry in ClinVar:

ClinVar aggregate classification (germline): Uncertain significance (1 of 4 stars; one submission).

gnomAD v4.1: 7 of 1,599,532 alleles (0.00044%); highest among the groups gnomAD compares: Non-Finnish European, 0.00059%; no homozygotes.

Submission:

Labcorp Genetics (formerly Invitae), Labcorp
Classification: Uncertain significance. Last evaluated: 2024-04-27. Review status: criteria provided, single submitter. Criteria: Invitae Variant Classification Sherloc (09022015). Collection method: clinical testing. Allele origin: germline.
Comment: This sequence change replaces leucine, which is neutral and non-polar, with arginine, which is basic and polar, at codon 211 of the CHD8 protein (p.Leu211Arg). This variant is not present in population databases (gnomAD no frequency). This variant has not been reported in the literature in individuals affected with CHD8-related conditions. An algorithm developed to predict the effect of missense changes on protein structure and function (PolyPhen-2) suggests that this variant is likely to be disruptive. In summary, the available evidence is currently insufficient to determine the role of this variant in disease. Therefore, it has been classified as a Variant of Uncertain Significance.

NM_001170629.2(CHD8):c.632T>G (p.Leu211Arg)

Gene: CHD8 (chromodomain helicase DNA binding protein 8; minus strand). Cytogenetic location: 14q11.2.
Variant type: single nucleotide variant.
Coding change: c.632T>G on transcript NM_001170629.2 (MANE Select); coding-DNA position 632, T replaced by G.
Protein change: p.Leu211Arg; replaces leucine 211 with arginine.
Molecular consequence: missense variant. On other transcripts: intron variant (1).
Genome position (GRCh38, 1-based): chr14:21,431,012, A>C on the plus strand (T>G on the coding strand, the complement: CHD8 is on the minus strand). VCF-style: chr14-21431012-A-C. GRCh37 (hg19) VCF-style: chr14-21899171-A-C.
Other names: c.6+799T>G (NM_020920.4); short protein forms L211R.
Identifiers: ClinVar variation 3624502 (VCV003624502.2).
Genomic context (GRCh38, chr14:21,431,012, plus strand): 5'-TTCCCAGGGACCTTGGCGGCCAACACTGTATTACCAGAGACAATGGAAACACCTGGTCGA[A>C]GGGGTGTGCCGGTTAGCACTTTGGTAAAAGTGACTTTTCCACCATTGGCTGTGCCTGCCA-3'
Protein context (NP_001164100.1, residues 201-221): TFTKVLTGTP[Leu211Arg]RPGVSIVSGN